The following is an entry in ClinVar:

ClinVar aggregate classification (germline): Uncertain significance (1 of 4 stars; one submission).

gnomAD v4.1: 1 of 1,613,562 alleles (0.000062%); no homozygotes.

Submission:

Labcorp Genetics (formerly Invitae), Labcorp
Classification: Uncertain significance. Last evaluated: 2024-04-17. Review status: criteria provided, single submitter. Criteria: Invitae Variant Classification Sherloc (09022015). Collection method: clinical testing. Allele origin: germline.
Comment: This sequence change replaces methionine, which is neutral and non-polar, with valine, which is neutral and non-polar, at codon 942 of the MYO7A protein (p.Met942Val). This variant is not present in population databases (gnomAD no frequency). This variant has not been reported in the literature in individuals affected with MYO7A-related conditions. Advanced modeling of protein sequence and biophysical properties (such as structural, functional, and spatial information, amino acid conservation, physicochemical variation, residue mobility, and thermodynamic stability) performed at Invitae indicates that this missense variant is not expected to disrupt MYO7A protein function with a negative predictive value of 95%. In summary, the available evidence is currently insufficient to determine the role of this variant in disease. Therefore, it has been classified as a Variant of Uncertain Significance.

NM_000260.4(MYO7A):c.2824A>G (p.Met942Val)

Gene: MYO7A (myosin VIIA; plus strand). Cytogenetic location: 11q13.5.
Variant type: single nucleotide variant.
Coding change: c.2824A>G on transcript NM_000260.4 (MANE Select); coding-DNA position 2824, A replaced by G.
Protein change: p.Met942Val; replaces methionine 942 with valine.
Molecular consequence: missense variant.
Genome position (GRCh38, 1-based): chr11:77,181,509, A>G. VCF-style: chr11-77181509-A-G. GRCh37 (hg19) VCF-style: chr11-76892555-A-G.
Other names: c.2824A>G, p.Met942Val (NM_001127180.2); c.2791A>G, p.Met931Val (NM_001369365.1); short protein forms M931V, M942V.
Identifiers: ClinVar variation 3634259 (VCV003634259.2).